The following is an entry in ClinVar:

NM_031206.7(LAS1L):c.712T>A (p.Ser238Thr)

Gene: LAS1L (LAS1 like ribosome biogenesis factor; minus strand). Cytogenetic location: Xq12.
Variant type: single nucleotide variant.
Coding change: c.712T>A on transcript NM_031206.7 (MANE Select); coding-DNA position 712, T replaced by A.
Protein change: p.Ser238Thr; replaces serine 238 with threonine.
Molecular consequence: missense variant. On other transcripts: 5 prime UTR variant (1), non-coding transcript variant (1).
Genome position (GRCh38, 1-based): chrX:65,529,681, A>T on the plus strand (T>A on the coding strand, the complement: LAS1L is on the minus strand). VCF-style: chrX-65529681-A-T. GRCh37 (hg19) VCF-style: chrX-64749561-A-T.
Other names: c.712T>A, p.Ser238Thr (NM_001170649.2, NM_001375328.1, NM_001375329.1 and 7 more transcripts); c.586T>A, p.Ser196Thr (NM_001170650.2); c.-85T>A (NM_001375332.1); short protein forms S196T, S238T.
Identifiers: ClinVar variation 1312969 (VCV001312969.3), dbSNP rs2148312836, ClinGen allele CA413319592.
Genomic context (GRCh38, chrX:65,529,681, plus strand): 5'-TTTTGCAATGAGAATCCACCTCTTCGCTGCCTTTGCTGTCTCCATCGGCCTTTACATCTG[A>T]CTCCGTACTTTTCCCATCATCCTGAGGCTCTGGTTTCTGTTCTGTGATGTCATCAACAAC-3'
Protein context (NP_112483.1, residues 228-248): EPQDDGKSTE[Ser238Thr]DVKADGDSKG

ClinVar aggregate classification (germline): Uncertain significance. Review status: criteria provided, multiple submitters, no conflicts (2 of 4 stars). 2 submissions from 2 submitters: Uncertain significance (2). Last evaluated 2024-04-15.

Submissions (2):

Ambry Genetics
Classification: Uncertain significance. Last evaluated: 2024-04-15. Review status: criteria provided, single submitter. Criteria: Ambry Variant Classification Scheme 2023. Collection method: clinical testing. Allele origin: germline.

GeneDx
Classification: Uncertain significance. Last evaluated: 2020-07-06. Review status: criteria provided, single submitter. Criteria: GeneDx Variant Classification Process June 2021. Collection method: clinical testing. Allele origin: germline. Affected: yes.
Comment: Not observed in large population cohorts (Lek et al., 2016); In silico analysis supports that this missense variant does not alter protein structure/function; Has not been previously published as pathogenic or benign to our knowledge